The following is an entry in ClinVar:

NM_005378.6(MYCN):c.1380C>T (p.His460=)

Gene: MYCN (MYCN proto-oncogene, bHLH transcription factor; plus strand). Cytogenetic location: 2p24.3.
Variant type: single nucleotide variant.
Coding change: c.1380C>T on transcript NM_005378.6 (MANE Select); coding-DNA position 1380, C replaced by T.
Protein change: p.His460=; no amino-acid change (histidine 460 retained).
Molecular consequence: synonymous variant. On other transcripts: 3 prime UTR variant (1).
Genome position (GRCh38, 1-based): chr2:15,946,082, C>T. VCF-style: chr2-15946082-C-T. GRCh37 (hg19) VCF-style: chr2-16086204-C-T.
Other names: c.1380C>T, p.His460= (NM_001293228.2); c.747C>T, p.His249= (NM_001293231.2); c.*1315C>T (NM_001293233.2).
Identifiers: ClinVar variation 702365 (VCV000702365.9), dbSNP rs150023769, ClinGen allele CA1538356.
Genomic context (GRCh38, chr2:15,946,082, plus strand): 5'-TTTGCTGGAAAAGGAAAAATTGCAGGCAAGACAGCAGCAGTTGCTAAAGAAAATTGAACA[C>T]GCTCGGACTTGCTAGACGCTTCTCAAAACTGGACAGTCACTGCCACTTTGCACATTTTGA-3'
Protein context (NP_005369.2, residues 450-464): RQQQLLKKIE[His460=]ARTC

ClinVar aggregate classification (germline): Likely benign. Review status: criteria provided, multiple submitters, no conflicts (2 of 4 stars). 3 submissions from 3 submitters: Likely benign (2). 1 of the submissions does not count toward it. Last evaluated 2025-11-18.

Conditions:
MYCN-related disorder. Also called: MYCN-related condition.
Feingold syndrome type 1 (FGLDS1). Also called: MICROCEPHALY, MENTAL RETARDATION, AND TRACHEOESOPHAGEAL FISTULA SYNDROME; MICROCEPHALY-OCULO-DIGITO-ESOPHAGEAL-DUODENAL SYNDROME; OCULODIGITOESOPHAGODUODENAL SYNDROME; ODED SYNDROME; MICROCEPHALY AND DIGITAL ABNORMALITIES WITH NORMAL INTELLIGENCE. Identifiers: Orphanet 1305, Orphanet 391641, MedGen C4551774, MONDO:0008115, OMIM 164280.

Allele frequency attached by ClinVar (database versions not stated): gnomAD exomes 0.00008 and 0.00009; ExAC 0.00015; gnomAD 0.00023 and 0.00024; TOPMed 0.00029; ESP Exome Variant Server 0.00031; 1000 Genomes Project 0.00100; 1000 Genomes Project 30x 0.00109.

Submissions (3):

Labcorp Genetics (formerly Invitae), Labcorp
Classification: Likely benign. Last evaluated: 2025-11-18. Review status: criteria provided, single submitter. Criteria: Invitae Variant Classification Sherloc (09022015). Collection method: clinical testing. Allele origin: germline.

Fulgent Genetics
Classification: Likely benign for Feingold syndrome type 1. Last evaluated: 2021-08-20. Review status: criteria provided, single submitter. Criteria: ACMG Guidelines, 2015. Collection method: clinical testing. Allele origin: unknown.

PreventionGenetics, part of Exact Sciences
Classification: Likely benign for MYCN-related condition. Last evaluated: 2020-01-30. Review status: no assertion criteria provided. Collection method: clinical testing. Allele origin: germline. Not counted in ClinVar's aggregate classification.
Comment: This variant is classified as likely benign based on ACMG/AMP sequence variant interpretation guidelines (Richards et al. 2015 PMID: 25741868, with internal and published modifications).